The following is an entry in ClinVar:

NM_015047.3(EMC1):c.1453C>G (p.Leu485Val)

Genes: EMC1 (ER membrane protein complex subunit 1; minus strand), EMC1-AS1 (EMC1 antisense RNA 1; plus strand). Cytogenetic location: 1p36.13.
Variant type: single nucleotide variant.
Coding change: c.1453C>G on transcript NM_015047.3 (MANE Select); coding-DNA position 1453, C replaced by G.
Protein change: p.Leu485Val; replaces leucine 485 with valine.
Molecular consequence: missense variant.
Genome position (GRCh38, 1-based): chr1:19,233,115, G>C on the plus strand (C>G on the coding strand, the complement: EMC1 is on the minus strand). VCF-style: chr1-19233115-G-C. GRCh37 (hg19) VCF-style: chr1-19559609-G-C.
Other names: c.1450C>G, p.Leu484Val (NM_001271427.2, NM_001271428.2); c.1387C>G, p.Leu463Val (NM_001271429.2); c.1462C>G, p.Leu488Val (NM_001375820.1); c.1459C>G, p.Leu487Val (NM_001375821.1); short protein forms L484V, L488V, L463V, L485V, L487V.
Identifiers: ClinVar variation 2011021 (VCV002011021.4), dbSNP rs1412097148, ClinGen allele CA338763213.

ClinVar aggregate classification (germline): Uncertain significance (1 of 4 stars; one submission).

Submission:

Labcorp Genetics (formerly Invitae), Labcorp
Classification: Uncertain significance. Last evaluated: 2022-07-27. Review status: criteria provided, single submitter. Criteria: Invitae Variant Classification Sherloc (09022015). Collection method: clinical testing. Allele origin: germline.
Comment: This variant is not present in population databases (gnomAD no frequency). In summary, the available evidence is currently insufficient to determine the role of this variant in disease. Therefore, it has been classified as a Variant of Uncertain Significance. Algorithms developed to predict the effect of missense changes on protein structure and function (SIFT, PolyPhen-2, Align-GVGD) all suggest that this variant is likely to be tolerated. This variant has not been reported in the literature in individuals affected with EMC1-related conditions. This sequence change replaces leucine, which is neutral and non-polar, with valine, which is neutral and non-polar, at codon 485 of the EMC1 protein (p.Leu485Val).